The following is an entry in ClinVar:

ClinVar aggregate classification (germline): Uncertain significance (1 of 4 stars; one submission).

Allele frequency attached by ClinVar (database versions not stated): gnomAD exomes 0.00001.
gnomAD v4.1: 5 of 1,614,196 alleles (0.00031%); highest among the groups gnomAD compares: Non-Finnish European, 0.00042%; no homozygotes.

Submission:

Labcorp Genetics (formerly Invitae), Labcorp
Classification: Uncertain significance. Last evaluated: 2022-03-20. Review status: criteria provided, single submitter. Criteria: Invitae Variant Classification Sherloc (09022015). Collection method: clinical testing. Allele origin: germline.
Comment: This sequence change replaces alanine, which is neutral and non-polar, with proline, which is neutral and non-polar, at codon 601 of the RFWD3 protein (p.Ala601Pro). This variant is not present in population databases (gnomAD no frequency). This variant has not been reported in the literature in individuals affected with RFWD3-related conditions. Algorithms developed to predict the effect of missense changes on protein structure and function (SIFT, PolyPhen-2, Align-GVGD) all suggest that this variant is likely to be tolerated. In summary, the available evidence is currently insufficient to determine the role of this variant in disease. Therefore, it has been classified as a Variant of Uncertain Significance.

NM_018124.4(RFWD3):c.1801G>C (p.Ala601Pro)

Gene: RFWD3 (ring finger and WD repeat domain 3; minus strand). Cytogenetic location: 16q23.1.
Variant type: single nucleotide variant.
Coding change: c.1801G>C on transcript NM_018124.4 (MANE Select); coding-DNA position 1801, G replaced by C.
Protein change: p.Ala601Pro; replaces alanine 601 with proline.
Molecular consequence: missense variant.
Genome position (GRCh38, 1-based): chr16:74,628,620, C>G on the plus strand (G>C on the coding strand, the complement: RFWD3 is on the minus strand). VCF-style: chr16-74628620-C-G. GRCh37 (hg19) VCF-style: chr16-74662518-C-G.
Other names: c.1801G>C, p.Ala601Pro (NM_001370534.1, NM_001370535.1); c.1624G>C, p.Ala542Pro (NM_001370536.1); c.967G>C, p.Ala323Pro (NM_001370537.1, NM_001370539.1, NM_001370540.1 and 3 more transcripts); short protein forms A601P, A323P, A542P.
Identifiers: ClinVar variation 2115135 (VCV002115135.4), dbSNP rs2543935521, ClinGen allele CA396760007.
Genomic context (GRCh38, chr16:74,628,620, plus strand): 5'-TCTGTTCCCAGAATGAAGCATCCTCCAAGGTTCCAGCCAGCACCCCACCATATGGAAATG[C>G]AGCTGAGGCAGCTCTGGGCATGTATGACAGGGAGACCAGTGGGCATCTGAAAGGAAAGTA-3'
Protein context (NP_060594.3, residues 591-611): LSYMPRAASA[Ala601Pro]FPYGGVLAGT